The following is an entry in ClinVar:

NM_001367624.2(ZNF469):c.676G>A (p.Glu226Lys)

Gene: ZNF469 (zinc finger protein 469; plus strand). Cytogenetic location: 16q24.2.
Variant type: single nucleotide variant.
Coding change: c.676G>A on transcript NM_001367624.2 (MANE Select); coding-DNA position 676, G replaced by A.
Protein change: p.Glu226Lys; replaces glutamic acid 226 with lysine.
Molecular consequence: missense variant.
Genome position (GRCh38, 1-based): chr16:88,428,146, G>A. VCF-style: chr16-88428146-G-A. GRCh37 (hg19) VCF-style: chr16-88494554-G-A.
Other names: NM_001127464.1:c.676G>A; short protein forms E226K.
Identifiers: ClinVar variation 1304736 (VCV001304736.13), dbSNP rs546141859, ClinGen allele CA8224610.

ClinVar aggregate classification (germline): Conflicting classifications of pathogenicity. Review status: criteria provided, conflicting classifications (1 of 4 stars). 6 submissions from 6 submitters: Uncertain significance (5); Likely benign (1). Last evaluated 2026-04-01.

Conditions:
Cardiovascular phenotype. Identifiers: MedGen CN230736.
Brittle cornea syndrome 1 (BCS1). Also called: CORNEAL FRAGILITY, KERATOGLOBUS, BLUE SCLERAE, JOINT HYPEREXTENSIBILITY; EDS6B; FRAGILITAS OCULI WITH JOINT HYPEREXTENSIBILITY; DYSGENESIS MESODERMALIS CORNEAE ET SCLERAE; Corneal fragility keratoglobus, blue sclerae AND joint hypermobility. Identifiers: Orphanet 90354, MedGen C0268344, MONDO:0024543, OMIM 229200.

Allele frequency attached by ClinVar (database versions not stated): ExAC 0.00007; gnomAD exomes 0.00011; gnomAD 0.00013 and 0.00014; 1000 Genomes Project 0.00020; 1000 Genomes Project 30x 0.00031; TOPMed 0.00041.
gnomAD v4.1: 110 of 1,550,128 alleles (0.0071%); highest among the groups gnomAD compares: South Asian, 0.054%; 2 homozygotes.

Submissions (6):

Women's Health and Genetics/Laboratory Corporation of America, LabCorp
Classification: Uncertain significance. Last evaluated: 2026-04-01. Review status: criteria provided, single submitter. Criteria: LabCorp Variant Classification Summary - May 2015. Collection method: clinical testing. Allele origin: germline.
Comment: Variant summary: ZNF469 c.676G>A (p.Glu226Lys) results in a conservative amino acid change in the encoded protein sequence. Algorithms developed to predict the effect of missense changes on protein structure and function are either unavailable or do not agree on the potential impact of this missense change. The variant allele was found at a frequency of 0.00011 in 148574 control chromosomes. This frequency is not significantly higher than estimated for disease-causing variants in ZNF469, allowing no conclusion about variant significance. To our knowledge, no occurrence of c.676G>A in individuals affected with ZNF469-related conditions and no experimental evidence demonstrating its impact on protein function have been reported. ClinVar contains an entry for this variant (Variation ID: 1304736). Based on the evidence outlined above, the variant was classified as uncertain significance.

Labcorp Genetics (formerly Invitae), Labcorp
Classification: Uncertain significance. Last evaluated: 2025-01-01. Review status: criteria provided, single submitter. Criteria: Invitae Variant Classification Sherloc (09022015). Collection method: clinical testing. Allele origin: germline.
Comment: This sequence change replaces glutamic acid, which is acidic and polar, with lysine, which is basic and polar, at codon 226 of the ZNF469 protein (p.Glu226Lys). This variant is present in population databases (rs546141859, gnomAD 0.05%). This variant has not been reported in the literature in individuals affected with ZNF469-related conditions. ClinVar contains an entry for this variant (Variation ID: 1304736). An algorithm developed to predict the effect of missense changes on protein structure and function (PolyPhen-2) suggests that this variant¬†is likely to be tolerated. In summary, the available evidence is currently insufficient to determine the role of this variant in disease. Therefore, it has been classified as a Variant of Uncertain Significance.

GeneDx
Classification: Uncertain significance. Last evaluated: 2023-05-19. Review status: criteria provided, single submitter. Criteria: GeneDx Variant Classification Process June 2021. Collection method: clinical testing. Allele origin: germline. Affected: yes.
Comment: Has not been previously published as pathogenic or benign to our knowledge; In silico analysis supports that this missense variant does not alter protein structure/function

Ambry Genetics
Classification: Likely benign for Cardiovascular phenotype. Last evaluated: 2023-02-06. Review status: criteria provided, single submitter. Criteria: Ambry Variant Classification Scheme 2023. Collection method: clinical testing. Allele origin: germline.

Fulgent Genetics
Classification: Uncertain significance for Brittle cornea syndrome 1. Last evaluated: 2022-05-04. Review status: criteria provided, single submitter. Criteria: ACMG Guidelines, 2015. Collection method: clinical testing. Allele origin: unknown.

Breakthrough Genomics
Classification: Uncertain significance. Review status: criteria provided, single submitter. Criteria: ACMG Guidelines, 2015. Collection method: not provided. Allele origin: germline. Inheritance: Autosomal recessive inheritance. Affected: yes.

Literature cited by the submitters: PubMed 31320640 (cited by Women's Health and Genetics/Laboratory Corporation of America, LabCorp).